The following is an entry in ClinVar:

ClinVar aggregate classification (germline): Pathogenic (1 of 4 stars; one submission).

Conditions:
Osteogenesis imperfecta type I (OI1). Also called: Classic Non-deforming Osteogenesis Imperfecta with Blue Sclerae; OI, TYPE I; OSTEOGENESIS IMPERFECTA TARDA; OSTEOGENESIS IMPERFECTA WITH BLUE SCLERAE; Osteogenesis imperfecta type 1; Lobstein's Disease. Identifiers: Orphanet 216796, Orphanet 666, MedGen C0023931, MONDO:0008146, OMIM 166200. Disease mechanism: loss of function.

Submission:

Labcorp Genetics (formerly Invitae), Labcorp
Classification: Pathogenic for Osteogenesis imperfecta type I. Last evaluated: 2023-10-24. Review status: criteria provided, single submitter. Criteria: Invitae Variant Classification Sherloc (09022015). Collection method: clinical testing. Allele origin: germline.
Comment: This sequence change creates a premature translational stop signal (p.Gly139*) in the COL1A1 gene. It is expected to result in an absent or disrupted protein product. Loss-of-function variants in COL1A1 are known to be pathogenic (PMID: 7942841, 9295084, 9443882). This variant is not present in population databases (gnomAD no frequency). This variant has not been reported in the literature in individuals affected with COL1A1-related conditions. For these reasons, this variant has been classified as Pathogenic.

Literature cited by the submitters: PubMed 7942841; PubMed 9295084; PubMed 9443882.

NM_000088.4(COL1A1):c.415G>T (p.Gly139Ter)

Gene: COL1A1 (collagen type I alpha 1 chain; minus strand). Cytogenetic location: 17q21.33.
Variant type: single nucleotide variant.
Coding change: c.415G>T on transcript NM_000088.4 (MANE Select); coding-DNA position 415, G replaced by T.
Protein change: p.Gly139Ter; replaces glycine 139 with a stop codon.
Molecular consequence: nonsense.
Genome position (GRCh38, 1-based): chr17:50,199,282, C>A on the plus strand (G>T on the coding strand, the complement: COL1A1 is on the minus strand). VCF-style: chr17-50199282-C-A. GRCh37 (hg19) VCF-style: chr17-48276643-C-A.
Other names: short protein forms G139*.
Identifiers: ClinVar variation 2771613 (VCV002771613.3), dbSNP rs2509253751, ClinGen allele CA400227388.